The following is an entry in ClinVar:

ClinVar aggregate classification (germline): Conflicting classifications of pathogenicity. Review status: criteria provided, conflicting classifications (1 of 4 stars). 3 submissions from 3 submitters: Uncertain significance (2); Likely benign (1). Last evaluated 2026-01-28.

Conditions:
Mandibular hypoplasia-deafness-progeroid syndrome. Also called: Mandibular hypoplasia, deafness, progeroid features, and lipodystrophy syndrome. Identifiers: Orphanet 363649, MedGen C3715192, MONDO:0014157, OMIM 615381.
POLD1-related polyposis and colorectal cancer syndrome (CRCS10). Also called: Colorectal cancer 10; COLORECTAL CANCER, SUSCEPTIBILITY TO, ON CHROMOSOME 19q; Colorectal cancer, susceptibility to, 10. Identifiers: Orphanet 220460, MedGen C2675481, MONDO:0012953, OMIM 612591.
Immunodeficiency 120. Identifiers: MedGen C5935622, MONDO:0970994, OMIM 620836.
Hereditary cancer-predisposing syndrome. Also called: Tumor predisposition; Neoplastic Syndromes, Hereditary; Hereditary Cancer Syndrome; Hereditary neoplastic syndrome. Identifiers: Orphanet 140162, MedGen C0027672, MeSH D009386, MONDO:0015356.

Allele frequency attached by ClinVar (database versions not stated): ExAC 0.00001; gnomAD 0.00001; gnomAD exomes 0.00001; TOPMed 0.00001.
gnomAD v4.1: 20 of 1,608,032 alleles (0.0012%); highest among the groups gnomAD compares: East Asian, 0.018%; no homozygotes.

Submissions (3):

Labcorp Genetics (formerly Invitae), Labcorp
Classification: Uncertain significance for POLD1-related polyposis and colorectal cancer syndrome. Last evaluated: 2026-01-28. Review status: criteria provided, single submitter. Criteria: Invitae Variant Classification Sherloc (09022015). Collection method: clinical testing. Allele origin: germline.
Comment: This sequence change replaces arginine, which is basic and polar, with tryptophan, which is neutral and slightly polar, at codon 6 of the POLD1 protein (p.Arg6Trp). The frequency data for this variant in the population databases is considered unreliable, as metrics indicate poor data quality at this position in the gnomAD database. This variant has not been reported in the literature in individuals affected with POLD1-related conditions. ClinVar contains an entry for this variant (Variation ID: 537104). Experimental studies and prediction algorithms are not available or were not evaluated, and the functional significance of this variant is currently unknown. In summary, the available evidence is currently insufficient to determine the role of this variant in disease. Therefore, it has been classified as a Variant of Uncertain Significance.

Ambry Genetics
Classification: Likely benign for Hereditary cancer-predisposing syndrome. Last evaluated: 2024-10-17. Review status: criteria provided, single submitter. Criteria: Ambry Variant Classification Scheme 2023. Collection method: clinical testing. Allele origin: germline.

Fulgent Genetics
Classification: Uncertain significance for POLD1-related polyposis and colorectal cancer syndrome; Mandibular hypoplasia-deafness-progeroid syndrome; Immunodeficiency 120. Last evaluated: 2024-06-14. Review status: criteria provided, single submitter. Criteria: ACMG Guidelines, 2015. Collection method: clinical testing. Allele origin: germline.

NM_002691.4(POLD1):c.16C>T (p.Arg6Trp)

Gene: POLD1 (DNA polymerase delta 1, catalytic subunit; plus strand). Cytogenetic location: 19q13.33.
Variant type: single nucleotide variant.
Coding change: c.16C>T on transcript NM_002691.4 (MANE Select); coding-DNA position 16, C replaced by T.
Protein change: p.Arg6Trp; replaces arginine 6 with tryptophan.
Molecular consequence: missense variant. On other transcripts: non-coding transcript variant (1).
Genome position (GRCh38, 1-based): chr19:50,398,867, C>T. VCF-style: chr19-50398867-C-T. GRCh37 (hg19) VCF-style: chr19-50902124-C-T.
Other names: c.16C>T, p.Arg6Trp (NM_001256849.1, NM_001308632.1); c.16C>T (NM_002691.2); short protein forms R6W.
Identifiers: ClinVar variation 537104 (VCV000537104.13), dbSNP rs55955638, ClinGen allele CA9595582.
Genomic context (GRCh38, chr19:50,398,867, plus strand): 5'-TGTCTCCGGTCAGAACCTCCACCAAGCTCCAACTTGCCCAGCAGGATGGATGGCAAGCGG[C>T]GGCCAGGCCCAGGGCCCGGGGTGCCCCCAAAGCGGGCCCGTGGGGGCCTCTGGGATGATG-3'
Protein context (NP_002682.2, residues 1-16): MDGKR[Arg6Trp]PGPGPGVPPK